The following is an entry in ClinVar:

NM_006949.4(STXBP2):c.1589C>T (p.Ala530Val)

Gene: STXBP2 (syntaxin binding protein 2; plus strand). Cytogenetic location: 19p13.2.
Variant type: single nucleotide variant.
Coding change: c.1589C>T on transcript NM_006949.4 (MANE Select); coding-DNA position 1589, C replaced by T.
Protein change: p.Ala530Val; replaces alanine 530 with valine.
Molecular consequence: missense variant. On other transcripts: non-coding transcript variant (1).
Genome position (GRCh38, 1-based): chr19:7,647,404, C>T. VCF-style: chr19-7647404-C-T. GRCh37 (hg19) VCF-style: chr19-7712290-C-T.
Other names: c.1580C>T, p.Ala527Val (NM_001127396.3); c.1622C>T, p.Ala541Val (NM_001272034.2); c.1493C>T, p.Ala498Val (NM_001414484.1); short protein forms A498V, A527V, A530V, A541V.
Identifiers: ClinVar variation 2419900 (VCV002419900.8), dbSNP rs757459022, ClinGen allele CA9144268.

ClinVar aggregate classification (germline): Uncertain significance (1 of 4 stars; one submission).

Conditions:
Familial hemophagocytic lymphohistiocytosis 5. Also called: STXBP2-Related Familial Hemophagocytic Lymphohistiocytosis (STXBP2-fHLH). Identifiers: Orphanet 540, MedGen C2751293, MONDO:0013135, OMIM 613101.

Allele frequency attached by ClinVar (database versions not stated): ExAC 0.00001; gnomAD 0.00001; gnomAD exomes 0.00001; TOPMed 0.00001.
gnomAD v4.1: 13 of 1,613,342 alleles (0.00081%); highest among the groups gnomAD compares: East Asian, 0.0022%; no homozygotes.

Submission:

Labcorp Genetics (formerly Invitae), Labcorp
Classification: Uncertain significance for Familial hemophagocytic lymphohistiocytosis 5. Last evaluated: 2025-12-03. Review status: criteria provided, single submitter. Criteria: Invitae Variant Classification Sherloc (09022015). Collection method: clinical testing. Allele origin: germline.
Comment: This sequence change replaces alanine, which is neutral and non-polar, with valine, which is neutral and non-polar, at codon 530 of the STXBP2 protein (p.Ala530Val). This variant is present in population databases (rs757459022, gnomAD 0.002%). This variant has not been reported in the literature in individuals affected with STXBP2-related conditions. ClinVar contains an entry for this variant (Variation ID: 2419900). Invitae Evidence Modeling of protein sequence and biophysical properties (such as structural, functional, and spatial information, amino acid conservation, physicochemical variation, residue mobility, and thermodynamic stability) indicates that this missense variant is not expected to disrupt STXBP2 protein function with a negative predictive value of 95%. In summary, the available evidence is currently insufficient to determine the role of this variant in disease. Therefore, it has been classified as a Variant of Uncertain Significance.